The following is an entry in ClinVar:

NM_000277.3(PAH):c.169-1G>A

Gene: PAH (phenylalanine hydroxylase; minus strand). Cytogenetic location: 12q23.2.
Variant type: single nucleotide variant.
Coding change: c.169-1G>A on transcript NM_000277.3 (MANE Select); the canonical splice acceptor site of the intron before coding-DNA position 169, G replaced by A.
Molecular consequence: splice acceptor variant.
Genome position (GRCh38, 1-based): chr12:102,894,919, C>T on the plus strand (G>A on the coding strand, the complement: PAH is on the minus strand). VCF-style: chr12-102894919-C-T. GRCh37 (hg19) VCF-style: chr12-103288697-C-T.
Other names: c.169-1G>A (NM_001354304.2).
Identifiers: ClinVar variation 987775 (VCV000987775.1), dbSNP rs1877439517, ClinGen allele CA386304277.

ClinVar aggregate classification (germline): Pathogenic (3 of 4 stars; one submission).

Conditions:
Phenylketonuria (PKU). Also called: OLIGOPHRENIA PHENYLPYRUVICA; Phenylketonuria (PKU); Phenylketonurias; FOLLING DISEASE. Identifiers: Orphanet 716, MedGen C0031485, MONDO:0009861, OMIM 261600. Disease mechanism: loss of function.

Submission:

ClinGen PAH Variant Curation Expert Panel
Classification: Pathogenic for Phenylketonuria. Last evaluated: 2020-10-15. Review status: reviewed by expert panel. Criteria: ClinGen PAH ACMG Specifications v1. Collection method: curation. Allele origin: germline. Inheritance: Autosomal recessive inheritance.
Comment: This c.169-1G>A (aka IVS2-1G>A) variant in PAH has been observed in at least two patients with PAH deficiency (PMID: 18294361 and 30159852) in trans with pathogenic variant c.168+5G>C. One patient was homozygous for this variant (PMID: 30159852). This variant is absent in controls from population databases. This variant in the -1 splice acceptor site of intron 2 results in exon skipping or use of a cryptic splice site. The variant disrupts the reading frame and is predicted to undergo nonsense mediated decay. This variant breaks the splice site in intron 2 according to computational models. In summary, this variant meets criteria to be classified as pathogenic for PAH. PAH-specific ACMG/AMP criteria applied: PVS1, PM2, PM3, and PP4.

Literature cited by the submitters: PubMed 30159852.